The following is an entry in ClinVar:

ClinVar aggregate classification (germline): Uncertain significance (1 of 4 stars; one submission).

Conditions:
Congenital myotonia, autosomal recessive form. Also called: BECKER DISEASE; Becker Generalized Myotonia; myotonia congenita, autosomal recessive. Identifiers: Orphanet 614, MedGen C0751360, MONDO:0009715, OMIM 255700.
Congenital myotonia, autosomal dominant form (THD). Also called: THOMSEN DISEASE; Myotonia congenita autosomal dominant. Identifiers: Orphanet 614, MedGen C2936781, MONDO:0008055, OMIM 160800.

Allele frequency attached by ClinVar (database versions not stated): gnomAD exomes below 0.00001.
gnomAD v4.1: 1 of 1,612,582 alleles (0.000062%); highest among the groups gnomAD compares: Non-Finnish European, 0.000085%; no homozygotes.

Submission:

Labcorp Genetics (formerly Invitae), Labcorp
Classification: Uncertain significance for Congenital myotonia, autosomal recessive form; Congenital myotonia, autosomal dominant form. Last evaluated: 2025-01-05. Review status: criteria provided, single submitter. Criteria: Invitae Variant Classification Sherloc (09022015). Collection method: clinical testing. Allele origin: germline.
Comment: This sequence change replaces isoleucine, which is neutral and non-polar, with asparagine, which is neutral and polar, at codon 987 of the CLCN1 protein (p.Ile987Asn). This variant is not present in population databases (gnomAD no frequency). This variant has not been reported in the literature in individuals affected with CLCN1-related conditions. ClinVar contains an entry for this variant (Variation ID: 1932351). Invitae Evidence Modeling of protein sequence and biophysical properties (such as structural, functional, and spatial information, amino acid conservation, physicochemical variation, residue mobility, and thermodynamic stability) indicates that this missense variant is not expected to disrupt CLCN1 protein function with a negative predictive value of 95%. In summary, the available evidence is currently insufficient to determine the role of this variant in disease. Therefore, it has been classified as a Variant of Uncertain Significance.

NM_000083.3(CLCN1):c.2960T>A (p.Ile987Asn)

Gene: CLCN1 (chloride voltage-gated channel 1; plus strand). Cytogenetic location: 7q34.
Variant type: single nucleotide variant.
Coding change: c.2960T>A on transcript NM_000083.3 (MANE Select); coding-DNA position 2960, T replaced by A.
Protein change: p.Ile987Asn; replaces isoleucine 987 with asparagine.
Molecular consequence: missense variant. On other transcripts: non-coding transcript variant (1).
Genome position (GRCh38, 1-based): chr7:143,351,958, T>A. VCF-style: chr7-143351958-T-A. GRCh37 (hg19) VCF-style: chr7-143049051-T-A.
Other names: short protein forms I987N.
Identifiers: ClinVar variation 1932351 (VCV001932351.5), dbSNP rs2485449523, ClinGen allele CA369654360.